The following is an entry in ClinVar:

NM_003919.3(SGCE):c.1036G>A (p.Val346Met)

Genes: CASD1 (CAS1 domain sialic acid O acetyltransferase 1; plus strand), SGCE (sarcoglycan epsilon; minus strand). Cytogenetic location: 7q21.3.
Variant type: single nucleotide variant.
Coding change: c.1036G>A on transcript NM_003919.3 (MANE Select); coding-DNA position 1036, G replaced by A.
Protein change: p.Val346Met; replaces valine 346 with methionine.
Molecular consequence: missense variant.
Genome position (GRCh38, 1-based): chr7:94,600,647, C>T on the plus strand (G>A on the coding strand, the complement: SGCE is on the minus strand). VCF-style: chr7-94600647-C-T. GRCh37 (hg19) VCF-style: chr7-94229959-C-T.
Other names: c.1036G>A, p.Val346Ile (NM_001099400.2, NM_001346717.2); c.1036G>A, p.Val346Met (NM_001099401.2); c.913G>A, p.Val305Met (NM_001301139.2); c.1144G>A, p.Val382Met (NM_001346713.2); c.1144G>A, p.Val382Ile (NM_001346715.2); c.949G>A, p.Val317Met (NM_001346719.2); c.763G>A, p.Val255Met (NM_001346720.2); c.949G>A, p.Val317Ile (NM_001362807.2); and 2 more; short protein forms V346M, V255I, V305M, V317M, V346I, V382I, V255M, V305I.
Identifiers: ClinVar variation 464149 (VCV000464149.17), dbSNP rs533652380, ClinGen allele CA4348669.

ClinVar aggregate classification (germline): Uncertain significance. Review status: criteria provided, multiple submitters, no conflicts (2 of 4 stars). 5 submissions from 5 submitters: Uncertain significance (5). Last evaluated 2025-12-21.

Conditions:
Inborn genetic diseases. Identifiers: MedGen C0950123, MeSH D030342.
Myoclonic dystonia 11 (DYT11). Also called: DYT-SGCE; Myoclonic dystonia; Dystonia 11; Dystonia, alcohol responsive; Hereditary essential myoclonus; SGCE Myoclonus-Dystonia. Identifiers: Orphanet 36899, MedGen C1834570, MONDO:0008044, OMIM 159900.

Allele frequency attached by ClinVar (database versions not stated): gnomAD 0.00003; ExAC 0.00004; gnomAD exomes 0.00004 and 0.00011; TOPMed 0.00006; 1000 Genomes Project 0.00020; 1000 Genomes Project 30x 0.00031.
gnomAD v4.1: 157 of 1,609,552 alleles (0.0098%); highest among the groups gnomAD compares: Non-Finnish European, 0.011%; no homozygotes.

Submissions (5):

Labcorp Genetics (formerly Invitae), Labcorp
Classification: Uncertain significance for Myoclonic dystonia 11. Last evaluated: 2025-12-21. Review status: criteria provided, single submitter. Criteria: Invitae Variant Classification Sherloc (09022015). Collection method: clinical testing. Allele origin: germline.
Comment: This sequence change replaces valine, which is neutral and non-polar, with methionine, which is neutral and non-polar, at codon 346 of the SGCE protein (p.Val346Met). This variant is present in population databases (rs533652380, gnomAD 0.08%). This variant has not been reported in the literature in individuals affected with SGCE-related conditions. ClinVar contains an entry for this variant (Variation ID: 464149). An algorithm developed to predict the effect of missense changes on protein structure and function (PolyPhen-2) suggests that this variant is likely to be tolerated. In summary, the available evidence is currently insufficient to determine the role of this variant in disease. Therefore, it has been classified as a Variant of Uncertain Significance.

GeneDx
Classification: Uncertain significance. Last evaluated: 2025-07-10. Review status: criteria provided, single submitter. Criteria: GeneDx Variant Classification Process June 2021. Collection method: clinical testing. Allele origin: germline. Affected: yes.
Comment: In silico analysis supports that this missense variant has a deleterious effect on protein structure/function; Has not been previously published as pathogenic or benign to our knowledge

Revvity Omics, Revvity
Classification: Uncertain significance for Myoclonic dystonia 11. Last evaluated: 2023-12-18. Review status: criteria provided, single submitter. Criteria: ACMG Guidelines, 2015. Collection method: clinical testing. Allele origin: germline.

Ambry Genetics
Classification: Uncertain significance for Inborn genetic diseases. Last evaluated: 2023-02-01. Review status: criteria provided, single submitter. Criteria: Ambry Variant Classification Scheme 2023. Collection method: clinical testing. Allele origin: germline.

Breakthrough Genomics
Classification: Uncertain significance. Review status: criteria provided, single submitter. Criteria: ACMG Guidelines, 2015. Collection method: not provided. Allele origin: germline. Inheritance: Autosomal recessive inheritance. Affected: yes.